The following is an entry in ClinVar:

ClinVar aggregate classification (germline): Uncertain significance (1 of 4 stars; one submission).

gnomAD v4.1: 27 of 1,613,842 alleles (0.0017%); highest among the groups gnomAD compares: African/African-American, 0.02%; no homozygotes.

Submission:

Labcorp Genetics (formerly Invitae), Labcorp
Classification: Uncertain significance. Last evaluated: 2025-10-01. Review status: criteria provided, single submitter. Criteria: Invitae Variant Classification Sherloc (09022015). Collection method: clinical testing. Allele origin: germline.
Comment: This sequence change replaces valine, which is neutral and non-polar, with isoleucine, which is neutral and non-polar, at codon 687 of the ZMIZ1 protein (p.Val687Ile). This variant is present in population databases (rs12767060, gnomAD 0.01%). This variant has not been reported in the literature in individuals affected with ZMIZ1-related conditions. ClinVar contains an entry for this variant (Variation ID: 3612646). Invitae Evidence Modeling of protein sequence and biophysical properties (such as structural, functional, and spatial information, amino acid conservation, physicochemical variation, residue mobility, and thermodynamic stability) indicates that this missense variant is not expected to disrupt ZMIZ1 protein function with a negative predictive value of 95%. In summary, the available evidence is currently insufficient to determine the role of this variant in disease. Therefore, it has been classified as a Variant of Uncertain Significance.

NM_020338.4(ZMIZ1):c.2059G>A (p.Val687Ile)

Gene: ZMIZ1 (zinc finger MIZ-type containing 1; plus strand). Cytogenetic location: 10q22.3.
Variant type: single nucleotide variant.
Coding change: c.2059G>A on transcript NM_020338.4 (MANE Select); coding-DNA position 2059, G replaced by A.
Protein change: p.Val687Ile; replaces valine 687 with isoleucine.
Molecular consequence: missense variant.
Genome position (GRCh38, 1-based): chr10:79,302,146, G>A. VCF-style: chr10-79302146-G-A. GRCh37 (hg19) VCF-style: chr10-81061903-G-A.
Other names: short protein forms V687I.
Identifiers: ClinVar variation 3612646 (VCV003612646.2).